The following is an entry in ClinVar:

ClinVar aggregate classification (germline): Uncertain significance (1 of 4 stars; one submission).

gnomAD v4.1: 15 of 1,609,904 alleles (0.00093%); highest among the groups gnomAD compares: South Asian, 0.015%; no homozygotes.

Submission:

Mayo Clinic Laboratories, Mayo Clinic
Classification: Uncertain significance. Last evaluated: 2025-08-04. Review status: criteria provided, single submitter. Criteria: ACMG Guidelines, 2015. Collection method: clinical testing. Allele origin: germline. Observed: 1 variant allele.
Comment: BP4, PM2_supporting

NM_000365.6(TPI1):c.100G>C (p.Val34Leu)

Gene: TPI1 (triosephosphate isomerase 1; plus strand). Cytogenetic location: 12p13.31.
Variant type: single nucleotide variant.
Coding change: c.100G>C on transcript NM_000365.6 (MANE Select); coding-DNA position 100, G replaced by C.
Protein change: p.Val34Leu; replaces valine 34 with leucine.
Molecular consequence: missense variant.
Genome position (GRCh38, 1-based): chr12:6,867,666, G>C. VCF-style: chr12-6867666-G-C. GRCh37 (hg19) VCF-style: chr12-6976830-G-C.
Other names: p.Val34Leu; c.211G>C, p.Val71Leu (NM_001159287.1); short protein forms V34L, V71L.
Identifiers: ClinVar variation 4541691 (VCV004541691.1).